The following is an entry in ClinVar:

NM_000397.4(CYBB):c.677G>A (p.Arg226Gln)

Gene: CYBB (cytochrome b-245 beta chain; plus strand). Cytogenetic location: Xp21.1.
Variant type: single nucleotide variant.
Coding change: c.677G>A on transcript NM_000397.4 (MANE Select); coding-DNA position 677, G replaced by A.
Protein change: p.Arg226Gln; replaces arginine 226 with glutamine.
Molecular consequence: missense variant.
Genome position (GRCh38, 1-based): chrX:37,798,957, G>A. VCF-style: chrX-37798957-G-A. GRCh37 (hg19) VCF-style: chrX-37658210-G-A.
Other names: short protein forms R226Q.
Identifiers: ClinVar variation 4701846 (VCV004701846.1).
Genomic context (GRCh38, chrX:37,798,957, plus strand): 5'-TAATAAAACAATTTAATTTCCTATTACTAAATGATCTGGACTTACATTTTTCACCCAGAC[G>A]AATTGTACGTGGGCAGACCGCAGAGAGTTTGGCTGTGCATAATATAACAGTTTGTGAACA-3'
Protein context (NP_000388.2, residues 216-236): FIGLAIHGAE[Arg226Gln]IVRGQTAESL

ClinVar aggregate classification (germline): Uncertain significance (1 of 4 stars; one submission).

Conditions:
Granulomatous disease, chronic, X-linked. Also called: GRANULOMATOUS DISEASE, CHRONIC, X-LINKED, SOMATIC MOSAIC; CYTOCHROME b-NEGATIVE GRANULOMATOUS DISEASE, CHRONIC, X-LINKED. Identifiers: Orphanet 379, MedGen C1844376, MONDO:0010600, OMIM 306400.

gnomAD v4.1: 9 of 1,205,933 alleles (0.00075%); highest among the groups gnomAD compares: South Asian, 0.016%; no homozygotes.

Submission:

Labcorp Genetics (formerly Invitae), Labcorp
Classification: Uncertain significance for Granulomatous disease, chronic, X-linked. Last evaluated: 2025-10-27. Review status: criteria provided, single submitter. Criteria: Invitae Variant Classification Sherloc (09022015). Collection method: clinical testing. Allele origin: germline.
Comment: This sequence change replaces arginine, which is basic and polar, with glutamine, which is neutral and polar, at codon 226 of the CYBB protein (p.Arg226Gln). The frequency data for this variant in the population databases is considered unreliable, as metrics indicate poor data quality at this position in the gnomAD database. This variant has not been reported in the literature in individuals affected with CYBB-related conditions. An algorithm developed to predict the effect of missense changes on protein structure and function outputs the following: PolyPhen-2: "Benign". The glutamine amino acid residue is found in multiple mammalian species, which suggests that this missense change does not adversely affect protein function. In summary, the available evidence is currently insufficient to determine the role of this variant in disease. Therefore, it has been classified as a Variant of Uncertain Significance.